The following is an entry in ClinVar:

NM_001008537.3(NEXMIF):c.1118G>A (p.Trp373Ter)

Gene: NEXMIF (neurite extension and migration factor; minus strand). Cytogenetic location: Xq13.3.
Variant type: single nucleotide variant.
Coding change: c.1118G>A on transcript NM_001008537.3 (MANE Select); coding-DNA position 1118, G replaced by A.
Protein change: p.Trp373Ter; replaces tryptophan 373 with a stop codon.
Molecular consequence: nonsense.
Genome position (GRCh38, 1-based): chrX:74,743,439, C>T on the plus strand (G>A on the coding strand, the complement: NEXMIF is on the minus strand). VCF-style: chrX-74743439-C-T. GRCh37 (hg19) VCF-style: chrX-73963274-C-T.
Other names: short protein forms W373*.
Identifiers: ClinVar variation 871571 (VCV000871571.45), dbSNP rs2080114608, ClinGen allele CA413671392.

ClinVar aggregate classification (germline): Pathogenic. Review status: criteria provided, multiple submitters, no conflicts (2 of 4 stars). 2 submissions from 2 submitters: Pathogenic (2). Last evaluated 2022-08-20.

Submissions (2):

Labcorp Genetics (formerly Invitae), Labcorp
Classification: Pathogenic. Last evaluated: 2022-08-20. Review status: criteria provided, single submitter. Criteria: Invitae Variant Classification Sherloc (09022015). Collection method: clinical testing. Allele origin: germline.
Comment: This variant has not been reported in the literature in individuals affected with NEXMIF-related conditions. ClinVar contains an entry for this variant (Variation ID: 871571). For these reasons, this variant has been classified as Pathogenic. This variant is not present in population databases (gnomAD no frequency). This sequence change creates a premature translational stop signal (p.Trp373*) in the NEXMIF gene. It is expected to result in an absent or disrupted protein product. Loss-of-function variants in NEXMIF are known to be pathogenic (PMID: 23615299).

CeGaT Center for Human Genetics Tuebingen
Classification: Pathogenic. Last evaluated: 2018-01-01. Review status: criteria provided, single submitter. Criteria: CeGaT Center For Human Genetics Tuebingen Variant Classification Criteria Version 2. Collection method: clinical testing. Allele origin: germline. Affected: yes. Observed: 1 variant allele.

Literature cited by the submitters: PubMed 23615299 (cited by Labcorp Genetics (formerly Invitae), Labcorp).